The following is an entry in ClinVar:

NM_015102.5(NPHP4):c.594G>C (p.Ala198=)

Gene: NPHP4 (nephrocystin 4; minus strand). Cytogenetic location: 1p36.31.
Variant type: single nucleotide variant.
Coding change: c.594G>C on transcript NM_015102.5 (MANE Select); coding-DNA position 594, G replaced by C.
Protein change: p.Ala198=; no amino-acid change (alanine 198 retained).
Molecular consequence: synonymous variant. On other transcripts: 5 prime UTR variant (2), non-coding transcript variant (1).
Genome position (GRCh38, 1-based): chr1:5,961,873, C>G on the plus strand (G>C on the coding strand, the complement: NPHP4 is on the minus strand). VCF-style: chr1-5961873-C-G. GRCh37 (hg19) VCF-style: chr1-6021933-C-G.
Other names: c.-636G>C (NM_001291593.2); c.-773G>C (NM_001291594.2); c.594G>C (NM_015102.4).
Identifiers: ClinVar variation 498757 (VCV000498757.15), dbSNP rs141538649, ClinGen allele CA554795.

ClinVar aggregate classification (germline): Conflicting classifications of pathogenicity. Review status: criteria provided, conflicting classifications (1 of 4 stars). 4 submissions from 4 submitters: Uncertain significance (1); Likely benign (2). 1 of the submissions does not count toward it. Last evaluated 2026-01-07.

Conditions:
NPHP4-related disorder. Also called: NPHP4-related condition; NPHP4-related disorders. Identifiers: MedGen CN239384.
Nephronophthisis. Also called: Juvenile Nephronophthisis. Identifiers: Orphanet 655, MedGen C0687120, MONDO:0019005, HP:0000090.

Allele frequency attached by ClinVar (database versions not stated): ExAC 0.00002; TOPMed 0.00002; 1000 Genomes Project 30x 0.00031; 1000 Genomes Project 0.00040.
gnomAD v4.1: 26 of 1,613,844 alleles (0.0016%); highest among the groups gnomAD compares: Middle Eastern, 0.033%; no homozygotes.

Submissions (4):

Labcorp Genetics (formerly Invitae), Labcorp
Classification: Likely benign for Nephronophthisis. Last evaluated: 2026-01-07. Review status: criteria provided, single submitter. Criteria: Invitae Variant Classification Sherloc (09022015). Collection method: clinical testing. Allele origin: germline.

Blueprint Genetics
Classification: Likely benign. Last evaluated: 2024-08-12. Review status: criteria provided, single submitter. Criteria: ACMG Guidelines, 2015. Collection method: clinical testing. Allele origin: germline.

Eurofins Ntd Llc (ga)
Classification: Uncertain significance. Last evaluated: 2016-12-22. Review status: criteria provided, single submitter. Criteria: EGL Classification Definitions 2015. Collection method: clinical testing. Allele origin: germline. Observed: 1 variant allele, 1 heterozygote.

PreventionGenetics, part of Exact Sciences
Classification: Likely benign for NPHP4-related condition. Last evaluated: 2023-12-01. Review status: no assertion criteria provided. Collection method: clinical testing. Allele origin: germline. Not counted in ClinVar's aggregate classification.
Comment: This variant is classified as likely benign based on ACMG/AMP sequence variant interpretation guidelines (Richards et al. 2015 PMID: 25741868, with internal and published modifications).